The following is an entry in ClinVar:

NM_001009944.3(PKD1):c.10397C>G (p.Ser3466Ter)

Gene: PKD1 (polycystin 1, transient receptor potential channel interacting; minus strand). Cytogenetic location: 16p13.3.
Variant type: single nucleotide variant.
Coding change: c.10397C>G on transcript NM_001009944.3 (MANE Select); coding-DNA position 10397, C replaced by G.
Protein change: p.Ser3466Ter; replaces serine 3466 with a stop codon.
Molecular consequence: nonsense.
Genome position (GRCh38, 1-based): chr16:2,097,327, G>C on the plus strand (C>G on the coding strand, the complement: PKD1 is on the minus strand). VCF-style: chr16-2097327-G-C. GRCh37 (hg19) VCF-style: chr16-2147328-G-C.
Other names: c.10394C>G, p.Ser3465Ter (NM_000296.4); short protein forms S3465*, S3466*.
Identifiers: ClinVar variation 3033138 (VCV003033138.3), dbSNP rs147464577, ClinGen allele CA394344779.
Genomic context (GRCh38, chr16:2,097,327, plus strand): 5'-GGCCCAGCTGCAAGGGTGAGCTTCAGAGCCCCCTCCTCTCACCCCAGCTCACCTGATGCT[G>C]AGAAGGATTTGGCAGGCGAGTAGGGGCTGGCCAGGGAGAAGCCGTCCTCCTCTGGGCCCA-3'

ClinVar aggregate classification (germline): Pathogenic. Review status: criteria provided, single submitter (1 of 4 stars). 2 submissions from 2 submitters: Pathogenic (1). 1 of the submissions does not count toward it. Last evaluated 2024-05-18.

Conditions:
Polycystic kidney disease, adult type (PKD1). Also called: POLYCYSTIC KIDNEY DISEASE 1 WITH OR WITHOUT POLYCYSTIC LIVER DISEASE; POLYCYSTIC KIDNEY DISEASE, ADULT, TYPE I; Polycystic Kidney Disease 1, Autosomal Dominant; Polycystic kidney disease 1; Polycystic kidney disease 1, severe; Polycystic Kidney, Autosomal Dominant. Identifiers: MedGen C3149841, MONDO:0008263, OMIM 173900.
PKD1-related disorder. Also called: PKD1-related condition.

Submissions (2):

Fulgent Genetics
Classification: Pathogenic for Polycystic kidney disease, adult type. Last evaluated: 2024-05-18. Review status: criteria provided, single submitter. Criteria: ACMG Guidelines, 2015. Collection method: clinical testing. Allele origin: germline.

PreventionGenetics, part of Exact Sciences
Classification: Pathogenic for PKD1-related condition. Last evaluated: 2023-11-17. Review status: no assertion criteria provided. Collection method: clinical testing. Allele origin: germline. Not counted in ClinVar's aggregate classification.
Comment: The PKD1 c.10397C>G variant is predicted to result in premature protein termination (p.Ser3466*). This variant was reported in a family affected with polycystic kidney disease (Table 1 in He et al 2018. PubMed ID: 30333007). This variant has not been reported in a large population database (gnomAD v2), indicating this variant is rare. Nonsense variants in PKD1 are expected to be pathogenic. This variant is interpreted as pathogenic.